The following is an entry in ClinVar:

NM_032444.4(SLX4):c.1755C>A (p.Pro585=)

Gene: SLX4 (SLX4 structure-specific endonuclease subunit; minus strand). Cytogenetic location: 16p13.3.
Variant type: single nucleotide variant.
Coding change: c.1755C>A on transcript NM_032444.4 (MANE Select); coding-DNA position 1755, C replaced by A.
Protein change: p.Pro585=; no amino-acid change (proline 585 retained).
Molecular consequence: synonymous variant.
Genome position (GRCh38, 1-based): chr16:3,596,322, G>T on the plus strand (C>A on the coding strand, the complement: SLX4 is on the minus strand). VCF-style: chr16-3596322-G-T. GRCh37 (hg19) VCF-style: chr16-3646323-G-T.
Identifiers: ClinVar variation 701522 (VCV000701522.31), dbSNP rs114016359, ClinGen allele CA7866416.
Genomic context (GRCh38, chr16:3,596,322, plus strand): 5'-GCTGGCCGAAGGCGACGGGCCCCTGGAGCCACAGCCTGCAGTGGGGGTGCCGTGGAGAGC[G>T]GGTGACCTTCGCTCGCTCAGCTCTGAGTGCTCAGGTGGCACCAGAGGCGGCACGGGCTCC-3'
Protein context (NP_115820.2, residues 575-595): EHSELSERRS[Pro585=]ALHGTPTAGC

ClinVar aggregate classification (germline): Likely benign. Review status: criteria provided, multiple submitters, no conflicts (2 of 4 stars). 3 submissions from 3 submitters: Likely benign (3). Last evaluated 2025-05-19.

Conditions:
Fanconi anemia (FA). Also called: Fanconi's anemia. Identifiers: Orphanet 84, MedGen C0015625, MeSH D005199, MONDO:0019391.

Allele frequency attached by ClinVar (database versions not stated): TOPMed 0.00006.

Submissions (3):

Labcorp Genetics (formerly Invitae), Labcorp
Classification: Likely benign for Fanconi anemia. Last evaluated: 2025-05-19. Review status: criteria provided, single submitter. Criteria: Invitae Variant Classification Sherloc (09022015). Collection method: clinical testing. Allele origin: germline.

Blueprint Genetics
Classification: Likely benign. Last evaluated: 2024-05-22. Review status: criteria provided, single submitter. Criteria: ACMG Guidelines, 2015. Collection method: clinical testing. Allele origin: germline.

CeGaT Center for Human Genetics Tuebingen
Classification: Likely benign. Last evaluated: 2022-03-01. Review status: criteria provided, single submitter. Criteria: CeGaT Center For Human Genetics Tuebingen Variant Classification Criteria Version 2. Collection method: clinical testing. Allele origin: germline. Affected: yes. Observed: 1 variant allele.
Comment: SLX4: BP4, BP7